The following is an entry in ClinVar:

ClinVar aggregate classification (germline): Uncertain significance (1 of 4 stars; one submission).

Allele frequency attached by ClinVar (database versions not stated): TOPMed 0.00001 and below 0.00001.
gnomAD v4.1: 1 of 1,614,230 alleles (0.000062%); highest among the groups gnomAD compares: Non-Finnish European, 0.000085%; no homozygotes.

Submission:

GeneDx
Classification: Uncertain significance. Last evaluated: 2016-11-21. Review status: criteria provided, single submitter. Criteria: GeneDx Variant Classification (06012015). Collection method: clinical testing. Allele origin: germline. Affected: yes.
Comment: The V512I novel variant of uncertain significance in the COL5A2 gene has not been published as a pathogenic or benign variant to our knowledge. This variant was not observed in approximately 6,500 individuals of European and African American ancestry in the NHLBI Exome Sequencing Project or in the Exome Aggregation Consortium, indicating it is not a common benign variant in these populations. The V512I variant is a conservative amino acid substitution, which is not likely to impact secondary protein structure as these residues share similar properties. This substitution also occurs at a position where amino acids with similar properties to Valine are tolerated across species, and I512 is tolerated in at least one species. Furthermore, V512I does not affect a Glycine residue in a Gly-X-Y motif in the triple helical region of the COL5A2 gene, where the majority of pathogenic missense variants occur (Stenson et al., 2014; Symoens et al., 2012). However, in contrast to several other collagen genes, relatively few pathogenic Glycine substitutions have been reported in COL5A2 in association with Ehlers-Danlos syndrome. Most pathogenic variants in COL5A2 are in-frame splice site changes that cause exon skipping (Symoens et al., 2012). In silico analysis is inconsistent in its predictions as to whether or not the variant is damaging to the protein structure/function. Therefore, based on the currently available information, it is unclear whether this variant is pathogenic or rare benign.

NM_000393.5(COL5A2):c.1534G>A (p.Val512Ile)

Gene: COL5A2 (collagen type V alpha 2 chain; minus strand). Cytogenetic location: 2q32.2.
Variant type: single nucleotide variant.
Coding change: c.1534G>A on transcript NM_000393.5 (MANE Select); coding-DNA position 1534, G replaced by A.
Protein change: p.Val512Ile; replaces valine 512 with isoleucine.
Molecular consequence: missense variant.
Genome position (GRCh38, 1-based): chr2:189,066,419, C>T on the plus strand (G>A on the coding strand, the complement: COL5A2 is on the minus strand). VCF-style: chr2-189066419-C-T. GRCh37 (hg19) VCF-style: chr2-189931145-C-T.
Other names: short protein forms V512I.
Identifiers: ClinVar variation 373267 (VCV000373267.1), dbSNP rs1022068246, ClinGen allele CA16042378.
Genomic context (GRCh38, chr2:189,066,419, plus strand): 5'-TGTAAGAATGTGTTGTATTATTTAAATTTACCCTTTCTCCCACTGGCCCTGGAGGACCAA[C>T]TGTTCCTGGGTCACCTCTGGGACCTCTTTTGCCTTCTTCACCGGGTGGGCCTATCGGACC-3'
Protein context (NP_000384.2, residues 502-522): KRGPRGDPGT[Val512Ile]GPPGPVGERG